The following is an entry in ClinVar:

NM_002608.4(PDGFB):c.338G>A (p.Arg113His)

Gene: PDGFB (platelet derived growth factor subunit B; minus strand). Cytogenetic location: 22q13.1.
Variant type: single nucleotide variant.
Coding change: c.338G>A on transcript NM_002608.4 (MANE Select); coding-DNA position 338, G replaced by A.
Protein change: p.Arg113His; replaces arginine 113 with histidine.
Molecular consequence: missense variant.
Genome position (GRCh38, 1-based): chr22:39,231,740, C>T on the plus strand (G>A on the coding strand, the complement: PDGFB is on the minus strand). VCF-style: chr22-39231740-C-T. GRCh37 (hg19) VCF-style: chr22-39627745-C-T.
Other names: c.293G>A, p.Arg98His (NM_033016.3); short protein forms R98H, R113H.
Identifiers: ClinVar variation 2367077 (VCV002367077.25), dbSNP rs564553038, ClinGen allele CA10240136.

ClinVar aggregate classification (germline): Conflicting classifications of pathogenicity. Review status: criteria provided, conflicting classifications (1 of 4 stars). 3 submissions from 3 submitters: Uncertain significance (1); Likely benign (2). Last evaluated 2024-03-01.

Conditions:
Inborn genetic diseases. Identifiers: MedGen C0950123, MeSH D030342.

Allele frequency attached by ClinVar (database versions not stated): TOPMed 0.00001; gnomAD 0.00007; gnomAD exomes 0.00011; ExAC 0.00021; 1000 Genomes Project 30x 0.00031; 1000 Genomes Project 0.00040.
gnomAD v4.1: 171 of 1,612,474 alleles (0.011%); highest among the groups gnomAD compares: South Asian, 0.17%; 1 homozygote.

Submissions (3):

CeGaT Center for Human Genetics Tuebingen
Classification: Likely benign. Last evaluated: 2024-03-01. Review status: criteria provided, single submitter. Criteria: CeGaT Center For Human Genetics Tuebingen Variant Classification Criteria Version 2. Collection method: clinical testing. Allele origin: germline. Affected: yes. Observed: 1 variant allele.
Comment: PDGFB: BP4, BS1:Supporting

Labcorp Genetics (formerly Invitae), Labcorp
Classification: Likely benign. Last evaluated: 2023-03-22. Review status: criteria provided, single submitter. Criteria: Invitae Variant Classification Sherloc (09022015). Collection method: clinical testing. Allele origin: germline.

Ambry Genetics
Classification: Uncertain significance for Inborn genetic diseases. Last evaluated: 2022-05-27. Review status: criteria provided, single submitter. Criteria: Ambry Variant Classification Scheme 2023. Collection method: clinical testing. Allele origin: germline.